The following is an entry in ClinVar:

NM_177438.3(DICER1):c.1252G>A (p.Asp418Asn)

Gene: DICER1 (dicer 1, ribonuclease III; minus strand). Cytogenetic location: 14q32.13.
Variant type: single nucleotide variant.
Coding change: c.1252G>A on transcript NM_177438.3 (MANE Select); coding-DNA position 1252, G replaced by A.
Protein change: p.Asp418Asn; replaces aspartic acid 418 with asparagine.
Molecular consequence: missense variant. On other transcripts: 5 prime UTR variant (1), non-coding transcript variant (6).
Genome position (GRCh38, 1-based): chr14:95,124,320, C>T on the plus strand (G>A on the coding strand, the complement: DICER1 is on the minus strand). VCF-style: chr14-95124320-C-T. GRCh37 (hg19) VCF-style: chr14-95590657-C-T.
Other names: c.1252G>A, p.Asp418Asn (NM_001195573.1, NM_001271282.3, NM_001291628.2 and 14 more transcripts); c.970G>A, p.Asp324Asn (NM_001395686.1); c.847G>A, p.Asp283Asn (NM_001395687.1, NM_001395688.1, NM_001395689.1 and 3 more transcripts); c.685G>A, p.Asp229Asn (NM_001395691.1); c.-317G>A (NM_001395697.1); short protein forms D229N, D283N, D324N, D418N.
Identifiers: ClinVar variation 3383760 (VCV003383760.1).

ClinVar aggregate classification (germline): Uncertain significance (1 of 4 stars; one submission).

Submission:

GeneDx
Classification: Uncertain significance. Last evaluated: 2024-05-29. Review status: criteria provided, single submitter. Criteria: GeneDx Variant Classification Process June 2021. Collection method: clinical testing. Allele origin: germline. Affected: yes.
Comment: Not observed at significant frequency in large population cohorts (gnomAD); In silico analysis indicates that this missense variant does not alter protein structure/function; Has not been previously published as pathogenic or benign to our knowledge